The following is an entry in ClinVar:

ClinVar aggregate classification (germline): Uncertain significance (1 of 4 stars; one submission).

Conditions:
Walker-Warburg congenital muscular dystrophy. Also called: Muscular dystrophy-dystroglycanopathy, type A; Walker-Warburg syndrome. Identifiers: Orphanet 899, MedGen C0265221, MONDO:0000171.

Submission:

Labcorp Genetics (formerly Invitae), Labcorp
Classification: Uncertain significance for Walker-Warburg congenital muscular dystrophy. Last evaluated: 2019-10-11. Review status: criteria provided, single submitter. Criteria: Invitae Variant Classification Sherloc (09022015). Collection method: clinical testing. Allele origin: germline.
Comment: This variant is not present in population databases (ExAC no frequency). This variant has not been reported in the literature in individuals with FKTN-related conditions. Algorithms developed to predict the effect of missense changes on protein structure and function are either unavailable or do not agree on the potential impact of this missense change (SIFT: "Tolerated"; PolyPhen-2: "Probably Damaging"; Align-GVGD: "Class C0"). In summary, the available evidence is currently insufficient to determine the role of this variant in disease. Therefore, it has been classified as a Variant of Uncertain Significance. This sequence change replaces phenylalanine with valine at codon 404 of the FKTN protein (p.Phe404Val). The phenylalanine residue is moderately conserved and there is a small physicochemical difference between phenylalanine and valine.

NM_001079802.2(FKTN):c.1210T>G (p.Phe404Val)

Gene: FKTN (fukutin; plus strand). Cytogenetic location: 9q31.2.
Variant type: single nucleotide variant.
Coding change: c.1210T>G on transcript NM_001079802.2 (MANE Select); coding-DNA position 1210, T replaced by G.
Protein change: p.Phe404Val; replaces phenylalanine 404 with valine.
Molecular consequence: missense variant. On other transcripts: 3 prime UTR variant (1), non-coding transcript variant (2).
Genome position (GRCh38, 1-based): chr9:105,635,088, T>G. VCF-style: chr9-105635088-T-G. GRCh37 (hg19) VCF-style: chr9-108397369-T-G.
Other names: c.1210T>G, p.Phe404Val (NM_001198963.2, NM_001351496.2, NM_006731.2); c.1141T>G, p.Phe381Val (NM_001351497.2); c.*2T>G (NM_001351498.2); c.814T>G, p.Phe272Val (NM_001351499.2, NM_001351500.2, NM_001351501.2 and 1 more transcripts); short protein forms F381V, F272V, F404V.
Identifiers: ClinVar variation 960487 (VCV000960487.9), dbSNP rs1833925629, ClinGen allele CA374378085.